The following is an entry in ClinVar:

NM_019098.5(CNGB3):c.121A>G (p.Thr41Ala)

Gene: CNGB3 (cyclic nucleotide gated channel subunit beta 3; minus strand). Cytogenetic location: 8q21.3.
Variant type: single nucleotide variant.
Coding change: c.121A>G on transcript NM_019098.5 (MANE Select); coding-DNA position 121, A replaced by G.
Protein change: p.Thr41Ala; replaces threonine 41 with alanine.
Molecular consequence: missense variant.
Genome position (GRCh38, 1-based): chr8:86,743,507, T>C on the plus strand (A>G on the coding strand, the complement: CNGB3 is on the minus strand). VCF-style: chr8-86743507-T-C. GRCh37 (hg19) VCF-style: chr8-87755735-T-C.
Other names: short protein forms T41A.
Identifiers: ClinVar variation 2114520 (VCV002114520.4), dbSNP rs1274305285, ClinGen allele CA371452680.
Genomic context (GRCh38, chr8:86,743,507, plus strand): 5'-CAGATAAGAAATGATGAAAATCAAGGCTTGCATAGGAATGTAGAGGACATACCTGTGCTG[T>C]GGTTTGCTGAGACTGATTACTTGGGTGAGAGCCTTCTTCATTCCGACGAGAACTTTGTTC-3'
Protein context (NP_061971.3, residues 31-51): SHPSNQSQQT[Thr41Ala]AQEENKGEEK

ClinVar aggregate classification (germline): Uncertain significance (1 of 4 stars; one submission).

Allele frequency attached by ClinVar (database versions not stated): TOPMed below 0.00001.

Submission:

Labcorp Genetics (formerly Invitae), Labcorp
Classification: Uncertain significance. Last evaluated: 2022-03-19. Review status: criteria provided, single submitter. Criteria: Invitae Variant Classification Sherloc (09022015). Collection method: clinical testing. Allele origin: germline.
Comment: Advanced modeling of protein sequence and biophysical properties (such as structural, functional, and spatial information, amino acid conservation, physicochemical variation, residue mobility, and thermodynamic stability) performed at Invitae indicates that this missense variant is not expected to disrupt CNGB3 protein function. In summary, the available evidence is currently insufficient to determine the role of this variant in disease. Therefore, it has been classified as a Variant of Uncertain Significance. This variant has not been reported in the literature in individuals affected with CNGB3-related conditions. This variant is not present in population databases (gnomAD no frequency). This sequence change replaces threonine, which is neutral and polar, with alanine, which is neutral and non-polar, at codon 41 of the CNGB3 protein (p.Thr41Ala).